The following is an entry in ClinVar:

ClinVar aggregate classification (germline): Likely benign. Review status: criteria provided, multiple submitters, no conflicts (2 of 4 stars). 2 submissions from 2 submitters: Likely benign (2). Last evaluated 2025-08-29.

Conditions:
DYNC1H1-related disorder. Also called: DYNC1H1-related condition; DYNC1H1-related disorders. Identifiers: MedGen CN381529.
Charcot-Marie-Tooth disease axonal type 2O. Also called: Charcot-Marie-Tooth disease, axonal, type 20; CHARCOT-MARIE-TOOTH NEUROPATHY, AXONAL, TYPE 2O; CHARCOT-MARIE-TOOTH DISEASE, AXONAL, AUTOSOMAL DOMINANT, TYPE 2O; Charcot-Marie-Tooth Neuropathy Type 2O. Identifiers: Orphanet 284232, MedGen C3280220, MONDO:0013644, OMIM 614228.

Allele frequency attached by ClinVar (database versions not stated): ExAC 0.00002; gnomAD exomes 0.00002 and 0.00005; TOPMed 0.00002; gnomAD 0.00003; ESP Exome Variant Server 0.00008.
gnomAD v4.1: 71 of 1,614,038 alleles (0.0044%); highest among the groups gnomAD compares: Non-Finnish European, 0.0057%; no homozygotes.

Submissions (2):

Labcorp Genetics (formerly Invitae), Labcorp
Classification: Likely benign for Charcot-Marie-Tooth disease axonal type 2O. Last evaluated: 2025-08-29. Review status: criteria provided, single submitter. Criteria: Invitae Variant Classification Sherloc (09022015). Collection method: clinical testing. Allele origin: germline.

PreventionGenetics, part of Exact Sciences
Classification: Likely benign for DYNC1H1-related condition. Last evaluated: 2025-02-28. Review status: criteria provided, single submitter. Criteria: ACMG Guidelines, 2015. Collection method: clinical testing. Allele origin: germline.
Comment: This variant is classified as likely benign based on ACMG/AMP sequence variant interpretation guidelines (Richards et al. 2015 PMID: 25741868, with internal and published modifications).

NM_001376.5(DYNC1H1):c.9300A>G (p.Glu3100=)

Genes: DYNC1H1 (dynein cytoplasmic 1 heavy chain 1; plus strand), LOC126862060 (BRD4-independent group 4 enhancer GRCh37_chr14:102493659-102494858; plus strand). Cytogenetic location: 14q32.31.
Variant type: single nucleotide variant.
Coding change: c.9300A>G on transcript NM_001376.5 (MANE Select); coding-DNA position 9300, A replaced by G.
Protein change: p.Glu3100=; no amino-acid change (glutamic acid 3100 retained).
Molecular consequence: synonymous variant.
Genome position (GRCh38, 1-based): chr14:102,027,973, A>G. VCF-style: chr14-102027973-A-G. GRCh37 (hg19) VCF-style: chr14-102494310-A-G.
Other names: c.9300A>G (NM_001376.4).
Identifiers: ClinVar variation 1093336 (VCV001093336.10), dbSNP rs148753855, ClinGen allele CA7353206.